The following is an entry in ClinVar:

ClinVar aggregate classification (germline): Pathogenic/Likely pathogenic. Review status: criteria provided, multiple submitters, no conflicts (2 of 4 stars). 8 submissions from 8 submitters: Pathogenic (5); Likely pathogenic (1). 2 of the submissions do not count toward it. Last evaluated 2026-09-17.

Conditions:
Glycine encephalopathy 2 (GCE2). Identifiers: MedGen C5830559, MONDO:0958192, OMIM 620398.
Glycine encephalopathy 1 (GCE1). Identifiers: MedGen CN376801, MONDO:0958179, OMIM 605899.
AMT-related disorder. Also called: AMT-related condition.
Glycine encephalopathy. Also called: Nonketotic hyperglycinemia; Non-ketotic hyperglycinemia. Identifiers: Orphanet 407, MedGen C0751748, MONDO:0011612, HP:0008288.

Allele frequency attached by ClinVar (database versions not stated): gnomAD exomes below 0.00001 and 0.00002; TOPMed below 0.00001; ExAC 0.00001; gnomAD 0.00001.
gnomAD v4.1: 27 of 1,614,010 alleles (0.0017%); highest among the groups gnomAD compares: Non-Finnish European, 0.0021%; no homozygotes.

Submissions (8):

GeneDx
Classification: Pathogenic. Last evaluated: 2026-09-17. Review status: criteria provided, single submitter. Criteria: GeneDx Variant Classification Process June 2021. Collection method: clinical testing. Allele origin: germline.
Comment: Published functional studies found this variant significantly reduced AMT protein expression and GCS activity (PMID: 28462797); In silico analysis supports that this missense variant has a deleterious effect on protein structure/function; Not observed at significant frequency in large population cohorts (gnomAD); This variant is associated with the following publications: (PMID: 20949620, 28462797, 27362913, 26179960)

Natera, Inc.
Classification: Pathogenic for Non-ketotic hyperglycinemia. Last evaluated: 2025-09-10. Review status: criteria provided, single submitter. Criteria: Natera Variant Classification Schema (03/2026). Collection method: clinical testing. Allele origin: germline.
Comment: The c.350C>T variant in AMT is a missense variant predicted to cause substitution of serine to leucine at amino acid 117. This variant is rare in the general population with a frequency below the threshold expected for the associated phenotype(s). This variant has been observed in one or more individuals affected with the associated recessive disease, as either homozygous or compound heterozygous with a second variant (PMID: 26179960, 28462797, 27362913). Functional studies show that this variant may disrupt protein function (PMID: 28462797). Given the available evidence, this variant is classified as Pathogenic.

OLLIN Analises Genomicas, OLLIN
Classification: Pathogenic for Glycine encephalopathy 2. Last evaluated: 2025-09-01. Review status: criteria provided, single submitter. Criteria: ACMG Guidelines 2015 PMID 25741868. Collection method: clinical testing. Allele origin: germline. Affected: yes. Observed: 1 variant allele.
Comment: The missense variant (chr3:49420332G>A), located in exon 4 (of 9), is reported in ClinVar (VCV000430735.12), in gnomAD v4.1 non-UKB with an allele frequency of 0.00102%, and in the scientific literature, in homozygous and compound heterozygous states, in individuals with glycine encephalopathy (PMID: 26179960, 28462797, 27362913). Functional studies suggest that this variant affects protein function (PMID: 26179960) and in silico analysis predicts that it has a deleterious effect. According to the currently available evidence, this variant has been classified as pathogenic (PS3_P, PM2_P, PM3_VS, PP3).

Labcorp Genetics (formerly Invitae), Labcorp
Classification: Pathogenic for Glycine encephalopathy. Last evaluated: 2025-06-04. Review status: criteria provided, single submitter. Criteria: Invitae Variant Classification Sherloc (09022015). Collection method: clinical testing. Allele origin: germline.
Comment: This sequence change replaces serine, which is neutral and polar, with leucine, which is neutral and non-polar, at codon 117 of the AMT protein (p.Ser117Leu). This variant is present in population databases (rs769468125, gnomAD 0.0009%). This missense change has been observed in individual(s) with nonketotic hyperglycenimia (PMID: 26179960, 27362913, 28462797). In at least one individual the data is consistent with being in trans (on the opposite chromosome) from a pathogenic variant. ClinVar contains an entry for this variant (Variation ID: 430735). Invitae Evidence Modeling of protein sequence and biophysical properties (such as structural, functional, and spatial information, amino acid conservation, physicochemical variation, residue mobility, and thermodynamic stability) indicates that this missense variant is expected to disrupt AMT protein function with a positive predictive value of 95%. Experimental studies have shown that this missense change affects AMT function (PMID: 28462797). For these reasons, this variant has been classified as Pathogenic.

Baylor Genetics
Classification: Pathogenic for Glycine encephalopathy 1. Last evaluated: 2023-03-27. Review status: criteria provided, single submitter. Criteria: ACMG Guidelines, 2015. Collection method: clinical testing. Allele origin: unknown.

Blueprint Genetics
Classification: Likely pathogenic for AMT-related disorders. Last evaluated: 2021-11-18. Review status: criteria provided, single submitter. Criteria: ACMG Guidelines, 2015. Collection method: clinical testing. Allele origin: germline. Affected: yes. Observed: 3 variant alleles.

Counsyl
Classification: Uncertain significance for Glycine encephalopathy 1. Last evaluated: 2017-07-27. Review status: no assertion criteria provided. Collection method: clinical testing. Allele origin: unknown. Not counted in ClinVar's aggregate classification.

OMIM
Classification: Pathogenic for GLYCINE ENCEPHALOPATHY 2. Last evaluated: 2010-12-01. Review status: no assertion criteria provided. Collection method: literature only. Allele origin: germline. Not counted in ClinVar's aggregate classification.

Literature cited by the submitters: PubMed 26179960 (cited by 4 submitters); PubMed 28462797 (cited by 4 submitters); PubMed 27362913 (cited by 3 submitters); PubMed 4434100 (cited by OMIM); PubMed 20949620 (cited by OMIM).

NM_000481.4(AMT):c.350C>T (p.Ser117Leu)

Gene: AMT (aminomethyltransferase; minus strand). Cytogenetic location: 3p21.31.
Variant type: single nucleotide variant.
Coding change: c.350C>T on transcript NM_000481.4 (MANE Select); coding-DNA position 350, C replaced by T.
Protein change: p.Ser117Leu; replaces serine 117 with leucine.
Molecular consequence: missense variant. On other transcripts: non-coding transcript variant (1), intron variant (1).
Genome position (GRCh38, 1-based): chr3:49,420,332, G>A on the plus strand (C>T on the coding strand, the complement: AMT is on the minus strand). VCF-style: chr3-49420332-G-A. GRCh37 (hg19) VCF-style: chr3-49457765-G-A.
Other names: c.182C>T, p.Ser61Leu (NM_001164711.2); c.350C>T, p.Ser117Leu (NM_001164712.2); c.340-544C>T (NM_001164710.2); c.350C>T (NM_001164712.1); short protein forms S117L, S61L.
Identifiers: ClinVar variation 430735 (VCV000430735.17), dbSNP rs769468125, ClinGen allele CA2398389.
Genomic context (GRCh38, chr3:49,420,332, plus strand): 5'-TCAGAAGTATTGGTTACAATCAAGTCATCTAAGATGCCTCCAGCCTCGTTGGTAAACAGC[G>A]ACAGTGTCCCCTAGGACCAAAGTGGAGCGTTTTGGCTTCCAGGTCCAGGAGGGCAAGGCC-3'
Protein context (NP_000472.2, residues 107-127): AELRPNQGTL[Ser117Leu]LFTNEAGGIL